The following is an entry in ClinVar:

NM_015295.3(SMCHD1):c.1906G>A (p.Asp636Asn)

Gene: SMCHD1 (structural maintenance of chromosomes flexible hinge domain containing 1; plus strand). Cytogenetic location: 18p11.32.
Variant type: single nucleotide variant.
Coding change: c.1906G>A on transcript NM_015295.3 (MANE Select); coding-DNA position 1906, G replaced by A.
Protein change: p.Asp636Asn; replaces aspartic acid 636 with asparagine.
Molecular consequence: missense variant.
Genome position (GRCh38, 1-based): chr18:2,705,757, G>A. VCF-style: chr18-2705757-G-A. GRCh37 (hg19) VCF-style: chr18-2705755-G-A.
Other names: short protein forms D636N.
Identifiers: ClinVar variation 3446238 (VCV003446238.3).

ClinVar aggregate classification (germline): Uncertain significance. Review status: criteria provided, multiple submitters, no conflicts (2 of 4 stars). 2 submissions from 2 submitters: Uncertain significance (2). Last evaluated 2025-04-24.

Conditions:
Facioscapulohumeral muscular dystrophy 2 (FSHD2). Also called: MUSCULAR DYSTROPHY, FACIOSCAPULOHUMERAL, TYPE 1B; FACIOSCAPULOHUMERAL MUSCULAR DYSTROPHY 2, DIGENIC; FSHD2, DIGENIC. Identifiers: Orphanet 269, MedGen C1834671, MONDO:0008031, OMIM 158901.
Inborn genetic diseases. Identifiers: MedGen C0950123, MeSH D030342.

gnomAD v4.1: 15 of 1,608,036 alleles (0.00093%); highest among the groups gnomAD compares: Admixed American, 0.005%; no homozygotes.

Submissions (2):

Labcorp Genetics (formerly Invitae), Labcorp
Classification: Uncertain significance for Facioscapulohumeral muscular dystrophy 2. Last evaluated: 2025-04-24. Review status: criteria provided, single submitter. Criteria: Invitae Variant Classification Sherloc (09022015). Collection method: clinical testing. Allele origin: germline.
Comment: This sequence change replaces aspartic acid, which is acidic and polar, with asparagine, which is neutral and polar, at codon 636 of the SMCHD1 protein (p.Asp636Asn). This variant is present in population databases (rs776263440, gnomAD 0.006%). This variant has not been reported in the literature in individuals affected with SMCHD1-related conditions. ClinVar contains an entry for this variant (Variation ID: 3446238). Invitae Evidence Modeling of protein sequence and biophysical properties (such as structural, functional, and spatial information, amino acid conservation, physicochemical variation, residue mobility, and thermodynamic stability) indicates that this missense variant is not expected to disrupt SMCHD1 protein function with a negative predictive value of 80%. In summary, the available evidence is currently insufficient to determine the role of this variant in disease. Therefore, it has been classified as a Variant of Uncertain Significance.

Ambry Genetics
Classification: Uncertain significance for Inborn genetic diseases. Last evaluated: 2024-10-21. Review status: criteria provided, single submitter. Criteria: Ambry Variant Classification Scheme 2023. Collection method: clinical testing. Allele origin: germline.